The following is an entry in ClinVar:

NM_007156.5(ZXDA):c.165C>T (p.Pro55=)

Gene: ZXDA (zinc finger X-linked duplicated A; minus strand). Cytogenetic location: Xp11.21.
Variant type: single nucleotide variant.
Coding change: c.165C>T on transcript NM_007156.5 (MANE Select); coding-DNA position 165, C replaced by T.
Protein change: p.Pro55=; no amino-acid change (proline 55 retained).
Molecular consequence: synonymous variant.
Genome position (GRCh38, 1-based): chrX:57,910,256, G>A on the plus strand (C>T on the coding strand, the complement: ZXDA is on the minus strand). VCF-style: chrX-57910256-G-A. GRCh37 (hg19) VCF-style: chrX-57936690-G-A.
Identifiers: ClinVar variation 2660737 (VCV002660737.24), dbSNP rs779513796, ClinGen allele CA10431679.

ClinVar aggregate classification (germline): Likely benign (1 of 4 stars; one submission).

Allele frequency attached by ClinVar (database versions not stated): TOPMed 0.00005; ExAC 0.00006; gnomAD 0.00008; 1000 Genomes Project 30x 0.00104.
gnomAD v4.1: 82 of 1,112,160 alleles (0.0074%); highest among the groups gnomAD compares: Middle Eastern, 0.07%; 1 homozygote.

Submission:

CeGaT Center for Human Genetics Tuebingen
Classification: Likely benign. Last evaluated: 2022-03-01. Review status: criteria provided, single submitter. Criteria: CeGaT Center For Human Genetics Tuebingen Variant Classification Criteria Version 2. Collection method: clinical testing. Allele origin: germline. Affected: yes. Observed: 1 variant allele.
Comment: ZXDA: BP4, BP7